The following is an entry in ClinVar:

NM_020686.6(ABAT):c.*476T>C

Gene: ABAT (4-aminobutyrate aminotransferase; plus strand). Cytogenetic location: 16p13.2.
Variant type: single nucleotide variant.
Coding change: c.*476T>C on transcript NM_020686.6 (MANE Select); 476 bases downstream of the stop codon, T replaced by C.
Molecular consequence: 3 prime UTR variant.
Genome position (GRCh38, 1-based): chr16:8,781,906, T>C. VCF-style: chr16-8781906-T-C. GRCh37 (hg19) VCF-style: chr16-8875763-T-C.
Other names: c.*476T>C (NM_000663.5, NM_001127448.2, NM_001386600.1 and 14 more transcripts); c.*490T>C (NM_001386609.1, NM_001386616.1).
Identifiers: ClinVar variation 321101 (VCV000321101.6), dbSNP rs1731071, ClinGen allele CA10638524.
Genomic context (GRCh38, chr16:8,781,906, plus strand): 5'-CGGATGTTGGCTCCCCCTCGCCCTATGCAAGCAAACACACTCTCACCTCCTCTCCCAGCC[T>C]CCCGGAGCTCTGAGCACGCCCCACGCATGGTGCAGGAGGGACTGGACAGATCTGAGGAAG-3'

ClinVar aggregate classification (germline): Benign. Review status: criteria provided, multiple submitters, no conflicts (2 of 4 stars). 2 submissions from 2 submitters: Benign (2). Last evaluated 2018-01-12.

Conditions:
Gamma-aminobutyric acid transaminase deficiency (GABATD). Also called: GABA aminotransaminase deficiency; GABA transaminase deficiency; Gamma aminobutyrate transaminase deficiency; 4 alpha aminobutyrate transaminase deficiency. Identifiers: Orphanet 2066, MedGen C0342708, MONDO:0013166, OMIM 613163.

Allele frequency attached by ClinVar (database versions not stated): 1000 Genomes Project 0.39018; 1000 Genomes Project 30x 0.39319; gnomAD 0.37598 and 0.37627; TOPMed 0.38221.
gnomAD v4.1: 110,723 of 305,296 alleles (36%); highest among the groups gnomAD compares: African/African-American, 45%; 20,528 homozygotes.

Submissions (2):

Illumina Laboratory Services, Illumina
Classification: Benign for Gamma-aminobutyric acid transaminase deficiency. Last evaluated: 2018-01-12. Review status: criteria provided, single submitter. Criteria: ICSL Variant Classification Criteria 13 December 2019. Collection method: clinical testing. Allele origin: germline.
Comment: This variant was observed in the ICSL laboratory as part of a predisposition screen in an ostensibly healthy population. It had not been previously curated by ICSL or reported in the Human Gene Mutation Database (HGMD: prior to June 1st, 2018), and was therefore a candidate for classification through an automated scoring system. Utilizing variant allele frequency, disease prevalence and penetrance estimates, and inheritance mode, an automated score was calculated to assess if this variant is too frequent to cause the disease. Based on the score and internal cut-off values, a variant classified as benign is not then subjected to further curation. The score for this variant resulted in a classification of benign for this disease.

Breakthrough Genomics
Classification: Benign. Review status: criteria provided, single submitter. Criteria: ACMG Guidelines, 2015. Collection method: not provided. Allele origin: germline. Inheritance: Autosomal recessive inheritance. Affected: yes.